The following is an entry in ClinVar:

ClinVar aggregate classification (germline): Likely pathogenic (1 of 4 stars; one submission).

gnomAD v4.1: 1 of 1,614,142 alleles (0.000062%); highest among the groups gnomAD compares: South Asian, 0.0011%; no homozygotes.

Submission:

GeneDx
Classification: Likely pathogenic. Last evaluated: 2024-02-21. Review status: criteria provided, single submitter. Criteria: GeneDx Variant Classification Process June 2021. Collection method: clinical testing. Allele origin: germline. Affected: yes.
Comment: Not observed at significant frequency in large population cohorts (gnomAD); In silico analysis supports that this missense variant does not alter protein structure/function; Has not been previously published as pathogenic or benign to our knowledge

NM_001374828.1(ARID1B):c.6724G>C (p.Val2242Leu)

Gene: ARID1B (AT-rich interaction domain 1B; plus strand). Cytogenetic location: 6q25.3.
Variant type: single nucleotide variant.
Coding change: c.6724G>C on transcript NM_001374828.1 (MANE Select); coding-DNA position 6724, G replaced by C.
Protein change: p.Val2242Leu; replaces valine 2242 with leucine.
Molecular consequence: missense variant.
Genome position (GRCh38, 1-based): chr6:157,207,496, G>C. VCF-style: chr6-157207496-G-C. GRCh37 (hg19) VCF-style: chr6-157528630-G-C.
Other names: c.4225G>C, p.Val1409Leu (NM_001363725.2); c.6604G>C, p.Val2202Leu (NM_001371656.1, NM_001374820.1); c.6565G>C, p.Val2189Leu (NM_017519.3); c.6355G>C (NM_020732.3); short protein forms V1409L, V2189L, V2202L, V2242L.
Identifiers: ClinVar variation 3340955 (VCV003340955.1).